The following is an entry in ClinVar:

NM_000843.4(GRM6):c.281G>C (p.Arg94Pro)

Gene: GRM6 (glutamate metabotropic receptor 6; minus strand). Cytogenetic location: 5q35.3.
Variant type: single nucleotide variant.
Coding change: c.281G>C on transcript NM_000843.4 (MANE Select); coding-DNA position 281, G replaced by C.
Protein change: p.Arg94Pro; replaces arginine 94 with proline.
Molecular consequence: missense variant.
Genome position (GRCh38, 1-based): chr5:178,994,664, C>G on the plus strand (G>C on the coding strand, the complement: GRM6 is on the minus strand). VCF-style: chr5-178994664-C-G. GRCh37 (hg19) VCF-style: chr5-178421665-C-G.
Other names: short protein forms R94P.
Identifiers: ClinVar variation 1195012 (VCV001195012.2), dbSNP rs2113347929, ClinGen allele CA362436705.

ClinVar aggregate classification (germline): Uncertain significance (1 of 4 stars; one submission).

Submission:

GeneDx
Classification: Uncertain significance. Last evaluated: 2021-02-17. Review status: criteria provided, single submitter. Criteria: GeneDx Variant Classification Process June 2021. Collection method: clinical testing. Allele origin: germline. Affected: yes.
Comment: Not observed in large population cohorts (Lek et al., 2016); In silico analysis supports that this missense variant has a deleterious effect on protein structure/function; Has not been previously published as pathogenic or benign to our knowledge